The following is an entry in ClinVar:

NM_001244008.2(KIF1A):c.882+6C>A

Gene: KIF1A (kinesin family member 1A; minus strand). Cytogenetic location: 2q37.3.
Variant type: single nucleotide variant.
Coding change: c.882+6C>A on transcript NM_001244008.2 (MANE Select); 6 bases into the intron after coding-DNA position 882, C replaced by A.
Molecular consequence: intron variant.
Genome position (GRCh38, 1-based): chr2:240,782,584, G>T on the plus strand (C>A on the coding strand, the complement: KIF1A is on the minus strand). VCF-style: chr2-240782584-G-T. GRCh37 (hg19) VCF-style: chr2-241722001-G-T.
Other names: c.882+6C>A (NM_001379653.1, NM_001379650.1, NM_001379645.1 and 20 more transcripts).
Identifiers: ClinVar variation 864781 (VCV000864781.8), dbSNP rs1290737564, ClinGen allele CA540531893.
Genomic context (GRCh38, chr2:240,782,584, plus strand): 5'-CCAATGCAGGGCAGACACCGCCACCAGCCTCCCGCACCTGCCCCGGGGCTGAAGGAAGCC[G>T]CTTACCTTGTTGGGTCCGGAGTCCTGAAAAGGAAAAGACAGAGAGAGGCTGAGGCCCGGA-3'

ClinVar aggregate classification (germline): Uncertain significance (1 of 4 stars; one submission).

Conditions:
Hereditary spastic paraplegia 30. Identifiers: Orphanet 101010, MedGen C5235139, MONDO:0012476.
Neuropathy, hereditary sensory, type 2C. Also called: Hereditary sensory and autonomic neuropathy type IIC; KIF1A-Related HSAN2 (HSAN2C). Identifiers: Orphanet 970, MedGen C3280168, MONDO:0013634, OMIM 614213.
Intellectual disability, autosomal dominant 9 (NESCAVS). Also called: NESCAV SYNDROME; KIF1A-Related Neurodevelopmental Disorder. Identifiers: Orphanet 662367, MedGen C5393830, MONDO:0013656, OMIM 614255.

gnomAD v4.1: 11 of 1,552,342 alleles (0.00071%); highest among the groups gnomAD compares: Admixed American, 0.0059%; no homozygotes.

Submission:

Labcorp Genetics (formerly Invitae), Labcorp
Classification: Uncertain significance for Hereditary spastic paraplegia 30; Neuropathy, hereditary sensory, type 2C; Intellectual disability, autosomal dominant 9. Last evaluated: 2023-06-05. Review status: criteria provided, single submitter. Criteria: Invitae Variant Classification Sherloc (09022015). Collection method: clinical testing. Allele origin: germline.
Comment: ClinVar contains an entry for this variant (Variation ID: 864781). In summary, the available evidence is currently insufficient to determine the role of this variant in disease. Therefore, it has been classified as a Variant of Uncertain Significance. Variants that disrupt the consensus splice site are a relatively common cause of aberrant splicing (PMID: 17576681, 9536098). Algorithms developed to predict the effect of sequence changes on RNA splicing suggest that this variant is not likely to affect RNA splicing. This variant has not been reported in the literature in individuals affected with KIF1A-related conditions. The frequency data for this variant in the population databases is considered unreliable, as metrics indicate poor data quality at this position in the gnomAD database. This sequence change falls in intron 9 of the KIF1A gene. It does not directly change the encoded amino acid sequence of the KIF1A protein. It affects a nucleotide within the consensus splice site.

Literature cited by the submitters: PubMed 17576681; PubMed 9536098.